The following is an entry in ClinVar:

ClinVar aggregate classification (germline): Uncertain significance. Review status: criteria provided, multiple submitters, no conflicts (2 of 4 stars). 4 submissions from 4 submitters: Uncertain significance (4). Last evaluated 2026-07-23.

Conditions:
TTN-related disorder. Also called: TTN-related condition; TTN-related disease; TTN-related disorders.
Dilated cardiomyopathy 1G (CMD1G). Identifiers: Orphanet 154, MedGen C1858763, MONDO:0011400, OMIM 604145.
Autosomal recessive limb-girdle muscular dystrophy type 2J (LGMDR10). Also called: Limb-girdle muscular dystrophy, type 2J; MUSCULAR DYSTROPHY, LIMB-GIRDLE, AUTOSOMAL RECESSIVE 10. Identifiers: Orphanet 140922, MedGen C1837342, MONDO:0012127, OMIM 608807.
Early-onset myopathy with fatal cardiomyopathy (CMYO5). Also called: Salih Myopathy; CONGENITAL MYOPATHY 5 WITH CARDIOMYOPATHY. Identifiers: Orphanet 289377, MedGen C2673677, MONDO:0012714, OMIM 611705. Disease mechanism: loss of function.
Tibial muscular dystrophy (TMD). Also called: Tibial muscular dystrophy, tardive; UDD MYOPATHY; Udd Distal Myopathy – Tibial Muscular Dystrophy. Identifiers: Orphanet 609, MedGen C1838244, MONDO:0010870, OMIM 600334.
Hypertrophic cardiomyopathy 9. Also called: Familial hypertrophic cardiomyopathy 9. Identifiers: MedGen C1861065, MONDO:0013412, OMIM 613765.
Myopathy, myofibrillar, 9, with early respiratory failure (MFM9). Also called: EDSTROM MYOPATHY; Myopathy, distal, with early respiratory failure, autosomal dominant; Hereditary myopathy with early respiratory failure; MYOPATHY, PROXIMAL, WITH EARLY RESPIRATORY MUSCLE INVOLVEMENT. Identifiers: Orphanet 178464, Orphanet 34521, MedGen C1863599, MONDO:0011362, OMIM 603689.

Allele frequency attached by ClinVar (database versions not stated): gnomAD exomes 0.00001 and 0.00003; gnomAD 0.00003 and 0.00004; TOPMed 0.00003.
gnomAD v4.1: 45 of 1,613,704 alleles (0.0028%); highest among the groups gnomAD compares: Non-Finnish European, 0.0035%; no homozygotes.

Submissions (4):

PreventionGenetics, part of Exact Sciences
Classification: Uncertain significance for TTN-related condition. Last evaluated: 2026-07-23. Review status: criteria provided, single submitter. Criteria: ACMG Guidelines, 2015. Collection method: clinical testing. Allele origin: germline.
Comment: The TTN c.15947C>T variant is predicted to result in the amino acid substitution p.Ala5316Val. This variant has been reported in an individual in a cohort study of PTEN-wildtype Bannayan–Riley–Ruvalcaba syndrome (Table S5, Yehia. 2017. PubMed ID: 29263846). This variant is reported in 0.0027% of alleles in individuals of European (Non-Finnish) descent in gnomAD. At this time, the clinical significance of this variant is uncertain due to the absence of conclusive functional and genetic evidence.

Fulgent Genetics
Classification: Uncertain significance for Tibial muscular dystrophy; Myopathy, myofibrillar, 9, with early respiratory failure; Dilated cardiomyopathy 1G; Autosomal recessive limb-girdle muscular dystrophy type 2J; Early-onset myopathy with fatal cardiomyopathy; Hypertrophic cardiomyopathy 9. Last evaluated: 2021-08-27. Review status: criteria provided, single submitter. Criteria: ACMG Guidelines, 2015. Collection method: clinical testing. Allele origin: unknown.

Labcorp Genetics (formerly Invitae), Labcorp
Classification: Uncertain significance for Dilated cardiomyopathy 1G; Autosomal recessive limb-girdle muscular dystrophy type 2J. Last evaluated: 2017-12-11. Review status: criteria provided, single submitter. Criteria: Invitae Variant Classification Sherloc (09022015). Collection method: clinical testing. Allele origin: germline.

Eurofins Ntd Llc (ga)
Classification: Uncertain significance. Last evaluated: 2017-03-08. Review status: criteria provided, single submitter. Criteria: EGL Classification Definitions 2015. Collection method: clinical testing. Allele origin: germline. Observed: 1 variant allele, 1 heterozygote.

NM_001267550.2(TTN):c.15947C>T (p.Ala5316Val)

Gene: TTN (titin; minus strand). Cytogenetic location: 2q31.2.
Variant type: single nucleotide variant.
Coding change: c.15947C>T on transcript NM_001267550.2 (MANE Select); coding-DNA position 15947, C replaced by T.
Protein change: p.Ala5316Val; replaces alanine 5316 with valine.
Molecular consequence: missense variant. On other transcripts: intron variant (3).
Genome position (GRCh38, 1-based): chr2:178,733,346, G>A on the plus strand (C>T on the coding strand, the complement: TTN is on the minus strand). VCF-style: chr2-178733346-G-A. GRCh37 (hg19) VCF-style: chr2-179598073-G-A.
Other names: c.14996C>T, p.Ala4999Val (NM_001256850.1); c.12215C>T, p.Ala4072Val (NM_133378.4); c.13282+4736C>T (NM_003319.4); c.13858+4736C>T (NM_133437.4); c.13657+4736C>T (NM_133432.3); short protein forms A4072V, A5316V, A4999V.
Identifiers: ClinVar variation 500732 (VCV000500732.9), dbSNP rs879242937, ClinGen allele CA60980217.